The following is an entry in ClinVar:

NM_000064.4(C3):c.683-4C>G

Gene: C3 (complement C3; minus strand). Cytogenetic location: 19p13.3.
Variant type: single nucleotide variant.
Coding change: c.683-4C>G on transcript NM_000064.4 (MANE Select); 4 bases into the intron before coding-DNA position 683, C replaced by G.
Molecular consequence: intron variant.
Genome position (GRCh38, 1-based): chr19:6,714,086, G>C on the plus strand (C>G on the coding strand, the complement: C3 is on the minus strand). VCF-style: chr19-6714086-G-C. GRCh37 (hg19) VCF-style: chr19-6714097-G-C.
Other names: p.?.
Identifiers: ClinVar variation 1630092 (VCV001630092.13), dbSNP rs377240996, ClinGen allele CA9129710.
Genomic context (GRCh38, chr19:6,714,086, plus strand): 5'-TATAGATGTAGTAGAATTTCTCTGTAGGCTCCACTATGACCTCGAAACTGGGCAGCACTG[G>C]GGGAGAGATGGCGTTGGTGGGGCCGGCGCTGGGCCAGGCGTTCTGGGCACTGACTCCCCC-3'

ClinVar aggregate classification (germline): Conflicting classifications of pathogenicity. Review status: criteria provided, conflicting classifications (1 of 4 stars). 5 submissions from 5 submitters: Uncertain significance (1); Likely benign (4). Last evaluated 2025-12-21.

Conditions:
Age related macular degeneration 9. Identifiers: MedGen C1969651, MONDO:0012659, OMIM 611378.
Atypical hemolytic-uremic syndrome with C3 anomaly. Also called: AHUS, SUSCEPTIBILITY TO, 5. Identifiers: Orphanet 2134, MedGen C2752037, MONDO:0013043, OMIM 612925.
Complement component 3 deficiency. Identifiers: Orphanet 280133, MedGen C3151071, MONDO:0013417, OMIM 613779.
Atypical hemolytic-uremic syndrome. Identifiers: Orphanet 2134, MedGen C2931788, MONDO:0016244.

Allele frequency attached by ClinVar (database versions not stated): gnomAD exomes 0.00005; ESP Exome Variant Server 0.00008; TOPMed 0.00009; 1000 Genomes Project 30x 0.00016; 1000 Genomes Project 0.00020.
gnomAD v4.1: 80 of 1,612,002 alleles (0.005%); highest among the groups gnomAD compares: Admixed American, 0.035%; no homozygotes.

Submissions (5):

Labcorp Genetics (formerly Invitae), Labcorp
Classification: Likely benign. Last evaluated: 2025-12-21. Review status: criteria provided, single submitter. Criteria: Invitae Variant Classification Sherloc (09022015). Collection method: clinical testing. Allele origin: germline.

Mayo Clinic Laboratories, Mayo Clinic
Classification: Likely benign. Last evaluated: 2025-05-14. Review status: criteria provided, single submitter. Criteria: ACMG Guidelines, 2015. Collection method: clinical testing. Allele origin: germline. Observed: 1 variant allele.
Comment: BP4, BP7

Blueprint Genetics
Classification: Likely benign. Last evaluated: 2024-04-11. Review status: criteria provided, single submitter. Criteria: ACMG Guidelines, 2015. Collection method: clinical testing. Allele origin: germline.

Genome Diagnostics Laboratory, The Hospital for Sick Children
Classification: Uncertain significance for Atypical hemolytic-uremic syndrome. Last evaluated: 2022-07-22. Review status: criteria provided, single submitter. Criteria: ACMG Guidelines, 2015. Collection method: clinical testing. Allele origin: germline.

Fulgent Genetics
Classification: Likely benign for Age related macular degeneration 9; Atypical hemolytic-uremic syndrome with C3 anomaly; Complement component 3 deficiency. Last evaluated: 2021-11-17. Review status: criteria provided, single submitter. Criteria: ACMG Guidelines, 2015. Collection method: clinical testing. Allele origin: unknown.